The following is an entry in ClinVar:

NM_005751.5(AKAP9):c.9004C>G (p.Gln3002Glu)

Gene: AKAP9 (A-kinase anchoring protein 9; plus strand). Cytogenetic location: 7q21.2.
Variant type: single nucleotide variant.
Coding change: c.9004C>G on transcript NM_005751.5 (MANE Select); coding-DNA position 9004, C replaced by G.
Protein change: p.Gln3002Glu; replaces glutamine 3002 with glutamic acid.
Molecular consequence: missense variant.
Genome position (GRCh38, 1-based): chr7:92,085,666, C>G. VCF-style: chr7-92085666-C-G. GRCh37 (hg19) VCF-style: chr7-91714980-C-G.
Other names: c.3649C>G, p.Gln1217Glu (NM_001379277.1); c.8980C>G, p.Gln2994Glu (NM_147185.3); short protein forms Q1217E, Q2994E, Q3002E.
Identifiers: ClinVar variation 1345567 (VCV001345567.8), dbSNP rs778864019, ClinGen allele CA4337630.
Genomic context (GRCh38, chr7:92,085,666, plus strand): 5'-GAAGAGAGAAAAGCTTACATCAATACAATCTCATCTCTAAAGGATTTAATTACAAAGATG[C>G]AACTGCAAAGAGAAGCCGAGGTAACCAAAGAATACTATGCATTTAAATCATTTTATGTAT-3'
Protein context (NP_005742.4, residues 2992-3012): SSLKDLITKM[Gln3002Glu]LQREAEVYDS

ClinVar aggregate classification (germline): Uncertain significance (1 of 4 stars; one submission).

Conditions:
Long QT syndrome (LQTS). Identifiers: MedGen C0023976, MeSH D008133, MONDO:0002442. Disease mechanism: loss of function. Inheritance: Various modes of inheritance.

Allele frequency attached by ClinVar (database versions not stated): gnomAD exomes below 0.00001 and 0.00001; TOPMed below 0.00001; ExAC 0.00001.
gnomAD v4.1: 2 of 1,612,806 alleles (0.00012%); highest among the groups gnomAD compares: Non-Finnish European, 0.00017%; no homozygotes.

Submission:

Labcorp Genetics (formerly Invitae), Labcorp
Classification: Uncertain significance for Long QT syndrome. Last evaluated: 2020-11-04. Review status: criteria provided, single submitter. Criteria: Invitae Variant Classification Sherloc (09022015). Collection method: clinical testing. Allele origin: germline.
Comment: In summary, the available evidence is currently insufficient to determine the role of this variant in disease. Therefore, it has been classified as a Variant of Uncertain Significance. Algorithms developed to predict the effect of missense changes on protein structure and function are either unavailable or do not agree on the potential impact of this missense change (SIFT: "Deleterious"; PolyPhen-2: "Benign"; Align-GVGD: "Class C0"). This variant has not been reported in the literature in individuals with AKAP9-related conditions. This variant is present in population databases (rs778864019, ExAC 0.002%). This sequence change replaces glutamine with glutamic acid at codon 3002 of the AKAP9 protein (p.Gln3002Glu). The glutamine residue is highly conserved and there is a small physicochemical difference between glutamine and glutamic acid.